The following is an entry in ClinVar:

NM_003754.3(EIF3F):c.726C>T (p.Tyr242=)

Gene: EIF3F (eukaryotic translation initiation factor 3 subunit F; plus strand). Cytogenetic location: 11p15.4.
Variant type: single nucleotide variant.
Coding change: c.726C>T on transcript NM_003754.3 (MANE Select); coding-DNA position 726, C replaced by T.
Protein change: p.Tyr242=; no amino-acid change (tyrosine 242 retained).
Molecular consequence: synonymous variant.
Genome position (GRCh38, 1-based): chr11:7,994,498, C>T. VCF-style: chr11-7994498-C-T. GRCh37 (hg19) VCF-style: chr11-8016045-C-T.
Identifiers: ClinVar variation 721838 (VCV000721838.28), dbSNP rs7102030, ClinGen allele CA5870639.

ClinVar aggregate classification (germline): Benign/Likely benign. Review status: criteria provided, multiple submitters, no conflicts (2 of 4 stars). 3 submissions from 3 submitters: Benign (1); Likely benign (2). Last evaluated 2026-03-01.

Allele frequency attached by ClinVar (database versions not stated): gnomAD exomes 0.00024 and 0.00065; ExAC 0.00093; 1000 Genomes Project 30x 0.00156; 1000 Genomes Project 0.00160; gnomAD 0.00259 and 0.00282; TOPMed 0.00289; ESP Exome Variant Server 0.00369.
gnomAD v4.1: 746 of 1,613,756 alleles (0.046%); highest among the groups gnomAD compares: African/African-American, 0.92%; 3 homozygotes.

Submissions (3):

CeGaT Center for Human Genetics Tuebingen
Classification: Likely benign. Last evaluated: 2026-03-01. Review status: criteria provided, single submitter. Criteria: CeGaT Center For Human Genetics Tuebingen Variant Classification Criteria Version 2. Collection method: clinical testing. Allele origin: germline. Affected: yes. Observed: 3 variant alleles.
Comment: EIF3F: BP4, BP7

Blueprint Genetics
Classification: Likely benign. Last evaluated: 2024-11-13. Review status: criteria provided, single submitter. Criteria: ACMG Guidelines, 2015. Collection method: clinical testing. Allele origin: germline.

Labcorp Genetics (formerly Invitae), Labcorp
Classification: Benign. Last evaluated: 2018-01-30. Review status: criteria provided, single submitter. Criteria: Invitae Variant Classification Sherloc (09022015). Collection method: clinical testing. Allele origin: germline.